The following is an entry in ClinVar:

NM_020911.2(PLXNA4):c.2609G>T (p.Arg870Leu)

Gene: PLXNA4 (plexin A4; minus strand). Cytogenetic location: 7q32.3.
Variant type: single nucleotide variant.
Coding change: c.2609G>T on transcript NM_020911.2 (MANE Select); coding-DNA position 2609, G replaced by T.
Protein change: p.Arg870Leu; replaces arginine 870 with leucine.
Molecular consequence: missense variant.
Genome position (GRCh38, 1-based): chr7:132,198,614, C>A on the plus strand (G>T on the coding strand, the complement: PLXNA4 is on the minus strand). VCF-style: chr7-132198614-C-A. GRCh37 (hg19) VCF-style: chr7-131883373-C-A.
Other names: c.2609G>T, p.Arg870Leu (NM_001393897.1); short protein forms R870L.
Identifiers: ClinVar variation 3354639 (VCV003354639.1).

ClinVar aggregate classification (germline): Uncertain significance (0 of 4 stars; one submission).

Conditions:
PLXNA4-related disorder. Also called: PLXNA4-related condition.

gnomAD v4.1: 1 of 1,614,056 alleles (0.000062%); highest among the groups gnomAD compares: African/African-American, 0.0013%; no homozygotes.

Submission:

PreventionGenetics, part of Exact Sciences
Classification: Uncertain significance for PLXNA4-related condition. Last evaluated: 2024-09-11. Review status: no assertion criteria provided. Collection method: clinical testing. Allele origin: germline.
Comment: The PLXNA4 c.2609G>T variant is predicted to result in the amino acid substitution p.Arg870Leu. To our knowledge, this variant has not been reported in the literature or in a large population database, indicating this variant is rare. At this time, the clinical significance of this variant is uncertain due to the absence of conclusive functional and genetic evidence.